The following is an entry in ClinVar:

NM_002529.4(NTRK1):c.2068C>T (p.Pro690Ser)

Gene: NTRK1 (neurotrophic receptor tyrosine kinase 1; plus strand). Cytogenetic location: 1q23.1.
Variant type: single nucleotide variant.
Coding change: c.2068C>T on transcript NM_002529.4 (MANE Select); coding-DNA position 2068, C replaced by T.
Protein change: p.Pro690Ser; replaces proline 690 with serine.
Molecular consequence: missense variant.
Genome position (GRCh38, 1-based): chr1:156,880,020, C>T. VCF-style: chr1-156880020-C-T. GRCh37 (hg19) VCF-style: chr1-156849812-C-T.
Other names: c.1960C>T, p.Pro654Ser (NM_001007792.1); c.2050C>T, p.Pro684Ser (NM_001012331.2); short protein forms P684S, P654S, P690S.
Identifiers: ClinVar variation 660943 (VCV000660943.10), dbSNP rs1571703866, ClinGen allele CA342940256.
Genomic context (GRCh38, chr1:156,880,020, plus strand): 5'-AGGCGCCCCTGGAATTGATGCAGTGTCCGCCCGTGGCAGGTGGGAGGCCGCACCATGCTG[C>T]CCATTCGCTGGATGCCGCCCGAGAGCATCCTGTACCGTAAGTTCACCACCGAGAGCGACG-3'
Protein context (NP_002520.2, residues 680-700): YYRVGGRTML[Pro690Ser]IRWMPPESIL

ClinVar aggregate classification (germline): Uncertain significance. Review status: criteria provided, multiple submitters, no conflicts (2 of 4 stars). 3 submissions from 3 submitters: Uncertain significance (2). 1 of the submissions does not count toward it. Last evaluated 2026-01-23.

Conditions:
Hereditary insensitivity to pain with anhidrosis (CIPA). Also called: NTRK1 Congenital Insensitivity to Pain with Anhidrosis; HSAN Type IV; FAMILIAL DYSAUTONOMIA, TYPE II; hereditary sensory and autonomic neuropathy type 4; INSENSITIVITY TO PAIN, CONGENITAL, WITH ANHIDROSIS; NEUROPATHY, CONGENITAL SENSORY, WITH ANHIDROSIS. Identifiers: Orphanet 642, MedGen C0020074, MONDO:0009746, OMIM 256800.

Allele frequency attached by ClinVar (database versions not stated): gnomAD exomes below 0.00001; TOPMed below 0.00001.
gnomAD v4.1: 5 of 1,613,424 alleles (0.00031%); highest among the groups gnomAD compares: Non-Finnish European, 0.00042%; no homozygotes.

Submissions (3):

Myriad Genetics, Inc.
Classification: Uncertain significance for Hereditary insensitivity to pain with anhidrosis. Last evaluated: 2026-01-23. Review status: criteria provided, single submitter. Criteria: Myriad Autosomal Dominant, Autosomal Recessive and X-Linked Classification Criteria (2023). Collection method: clinical testing. Allele origin: unknown.
Comment: NM_002529.3(NTRK1):c.2068C>T(P690S) is a missense variant classified as a variant of uncertain significance in the context of congenital insensitivity to pain with anhidrosis, NTRK1-related. P690S has not been observed in cases with relevant disease. Relevant functional assessments of this variant are not available in the literature. P690S has not been observed in referenced population frequency databases. In summary, there is insufficient evidence to classify NM_002529.3(NTRK1):c.2068C>T(P690S) as pathogenic or benign. Please note: this variant was assessed in the context of healthy population screening.

Labcorp Genetics (formerly Invitae), Labcorp
Classification: Uncertain significance for Hereditary insensitivity to pain with anhidrosis. Last evaluated: 2021-08-31. Review status: criteria provided, single submitter. Criteria: Invitae Variant Classification Sherloc (09022015). Collection method: clinical testing. Allele origin: germline.
Comment: This sequence change replaces proline with serine at codon 684 of the NTRK1 protein (p.Pro684Ser). The proline residue is highly conserved and there is a moderate physicochemical difference between proline and serine. This variant is not present in population databases (ExAC no frequency). This variant has not been reported in the literature in individuals affected with NTRK1-related conditions. Algorithms developed to predict the effect of missense changes on protein structure and function (SIFT, PolyPhen-2, Align-GVGD) all suggest that this variant is likely to be disruptive. In summary, the available evidence is currently insufficient to determine the role of this variant in disease. Therefore, it has been classified as a Variant of Uncertain Significance.

Natera, Inc.
Classification: Uncertain significance for Hereditary insensitivity to pain with anhidrosis. Last evaluated: 2020-03-27. Review status: no assertion criteria provided. Collection method: clinical testing. Allele origin: germline. Not counted in ClinVar's aggregate classification.